The following is an entry in ClinVar:

NM_000719.7(CACNA1C):c.50-8T>A

Gene: CACNA1C (calcium voltage-gated channel subunit alpha1 C; plus strand). Cytogenetic location: 12p13.33.
Variant type: single nucleotide variant.
Coding change: c.50-8T>A on transcript NM_000719.7 (MANE Select); 8 bases into the intron before coding-DNA position 50, T replaced by A.
Molecular consequence: intron variant.
Genome position (GRCh38, 1-based): chr12:2,115,216, T>A. VCF-style: chr12-2115216-T-A. GRCh37 (hg19) VCF-style: chr12-2224382-T-A.
Other names: c.50-8T>A (NM_001167624.3, NM_001167623.2, NM_001167625.2 and 19 more transcripts).
Identifiers: ClinVar variation 4723161 (VCV004723161.1).

ClinVar aggregate classification (germline): Uncertain significance (1 of 4 stars; one submission).

Conditions:
Long QT syndrome (LQTS). Identifiers: MedGen C0023976, MeSH D008133, MONDO:0002442. Disease mechanism: loss of function. Inheritance: Various modes of inheritance.

gnomAD v4.1: 3 of 1,540,666 alleles (0.00019%); highest among the groups gnomAD compares: East Asian, 0.007%; no homozygotes.

Submission:

Labcorp Genetics (formerly Invitae), Labcorp
Classification: Uncertain significance for Long QT syndrome. Last evaluated: 2025-05-12. Review status: criteria provided, single submitter. Criteria: Invitae Variant Classification Sherloc (09022015). Collection method: clinical testing. Allele origin: germline.
Comment: This sequence change falls in intron 1 of the CACNA1C gene. It does not directly change the encoded amino acid sequence of the CACNA1C protein. This variant is present in population databases (no rsID available, gnomAD 0.01%). This variant has not been reported in the literature in individuals affected with CACNA1C-related conditions. Algorithms developed to predict the effect of sequence changes on RNA splicing suggest that this variant may disrupt the consensus splice site. In summary, the available evidence is currently insufficient to determine the role of this variant in disease. Therefore, it has been classified as a Variant of Uncertain Significance.